The following is an entry in ClinVar:

ClinVar aggregate classification (germline): Uncertain significance (1 of 4 stars; one submission).

gnomAD v4.1: 1 of 1,614,098 alleles (0.000062%); highest among the groups gnomAD compares: Non-Finnish European, 0.000085%; no homozygotes.

Submission:

Labcorp Genetics (formerly Invitae), Labcorp
Classification: Uncertain significance. Last evaluated: 2024-12-16. Review status: criteria provided, single submitter. Criteria: Invitae Variant Classification Sherloc (09022015). Collection method: clinical testing. Allele origin: germline.
Comment: This sequence change replaces isoleucine, which is neutral and non-polar, with valine, which is neutral and non-polar, at codon 53 of the PPOX protein (p.Ile53Val). This variant is not present in population databases (gnomAD no frequency). This variant has not been reported in the literature in individuals affected with PPOX-related conditions. ClinVar contains an entry for this variant (Variation ID: 2130704). Invitae Evidence Modeling of protein sequence and biophysical properties (such as structural, functional, and spatial information, amino acid conservation, physicochemical variation, residue mobility, and thermodynamic stability) indicates that this missense variant is not expected to disrupt PPOX protein function with a negative predictive value of 95%. In summary, the available evidence is currently insufficient to determine the role of this variant in disease. Therefore, it has been classified as a Variant of Uncertain Significance.

NM_001122764.3(PPOX):c.157A>G (p.Ile53Val)

Gene: PPOX (protoporphyrinogen oxidase; plus strand). Cytogenetic location: 1q23.3.
Variant type: single nucleotide variant.
Coding change: c.157A>G on transcript NM_001122764.3 (MANE Select); coding-DNA position 157, A replaced by G.
Protein change: p.Ile53Val; replaces isoleucine 53 with valine.
Molecular consequence: missense variant. On other transcripts: 5 prime UTR variant (5).
Genome position (GRCh38, 1-based): chr1:161,167,169, A>G. VCF-style: chr1-161167169-A-G. GRCh37 (hg19) VCF-style: chr1-161136959-A-G.
Other names: c.157A>G, p.Ile53Val (NM_000309.5, NM_001350128.2, NM_001365398.1 and 1 more transcripts); c.-271A>G (NM_001350129.2); c.-362A>G (NM_001350130.2); c.-248A>G (NM_001350131.2); c.-155A>G (NM_001365400.1); c.-214A>G (NM_001365401.1); short protein forms I53V.
Identifiers: ClinVar variation 2130704 (VCV002130704.4), dbSNP rs1171102735, ClinGen allele CA343351403.
Genomic context (GRCh38, chr1:161,167,169, plus strand): 5'-GTGGAGAGCAGTGAGCGTCTGGGAGGCTGGATTCGCTCCGTTCGAGGCCCTAATGGTGCT[A>G]TCTTTGAGCTTGGACCTCGGGGAATTAGGCCAGCGGGAGCCCTAGGGGCCCGGACCTTGC-3'
Protein context (NP_001116236.1, residues 43-63): IRSVRGPNGA[Ile53Val]FELGPRGIRP